The following is an entry in ClinVar:

NM_001385012.1(NBEA):c.8135A>G (p.Tyr2712Cys)

Gene: NBEA (neurobeachin; plus strand). Cytogenetic location: 13q13.3.
Variant type: single nucleotide variant.
Coding change: c.8135A>G on transcript NM_001385012.1 (MANE Select); coding-DNA position 8135, A replaced by G.
Protein change: p.Tyr2712Cys; replaces tyrosine 2712 with cysteine.
Molecular consequence: missense variant.
Genome position (GRCh38, 1-based): chr13:35,654,954, A>G. VCF-style: chr13-35654954-A-G. GRCh37 (hg19) VCF-style: chr13-36229091-A-G.
Other names: c.1451A>G, p.Tyr484Cys (NM_001204197.3); c.8126A>G, p.Tyr2709Cys (NM_001379245.1); c.8072A>G, p.Tyr2691Cys (NM_015678.5); short protein forms Y2691C, Y2709C, Y2712C, Y484C.
Identifiers: ClinVar variation 3776423 (VCV003776423.1).

ClinVar aggregate classification (germline): Uncertain significance (1 of 4 stars; one submission).

Submission:

GeneDx
Classification: Uncertain significance. Last evaluated: 2024-09-20. Review status: criteria provided, single submitter. Criteria: GeneDx Variant Classification Process June 2021. Collection method: clinical testing. Allele origin: germline. Affected: yes.
Comment: Not observed at significant frequency in large population cohorts (gnomAD); In silico analysis supports that this missense variant has a deleterious effect on protein structure/function; Has not been previously published as pathogenic or benign to our knowledge